The following is an entry in ClinVar:

ClinVar aggregate classification (germline): Uncertain significance. Review status: criteria provided, multiple submitters, no conflicts (2 of 4 stars). 2 submissions from 2 submitters: Uncertain significance (2). Last evaluated 2025-10-15.

Conditions:
Epidermolysis bullosa simplex 5B, with muscular dystrophy (EBS5B). Also called: Epidermolysis bullosa simplex with muscular dystrophy; EPIDERMOLYSIS BULLOSA SIMPLEX AND LIMB-GIRDLE MUSCULAR DYSTROPHY. Identifiers: Orphanet 257, MedGen C2931072, MONDO:0009181, OMIM 226670.
Epidermolysis bullosa simplex, Ogna type (EBS5A). Also called: Pidermolysis bullosa simplex 5A, Ogna type; EPIDERMOLYSIS BULLOSA SIMPLEX 5A, OGNA TYPE. Identifiers: Orphanet 79401, MedGen C0432317, MONDO:0007555, OMIM 131950.
Epidermolysis bullosa simplex with nail dystrophy (EBS5D). Identifiers: MedGen C4225309, MONDO:0014661, OMIM 616487.
Autosomal recessive limb-girdle muscular dystrophy type 2Q (LGMDR17). Also called: MUSCULAR DYSTROPHY, LIMB-GIRDLE, AUTOSOMAL RECESSIVE 17. Identifiers: Orphanet 254361, MedGen C3150989, MONDO:0013390, OMIM 613723.
Epidermolysis bullosa simplex 5C, with pyloric atresia (EBS5C). Also called: PLEC-Related Epidermolysis Bullosa with Pyloric Atresia; Epidermolysis bullosa simplex with pyloric atresia; PLEC1-Related Epidermolysis Bullosa with Pyloric Atresia. Identifiers: Orphanet 158684, MedGen C2677349, MONDO:0012807, OMIM 612138.

gnomAD v4.1: 21 of 1,582,976 alleles (0.0013%); highest among the groups gnomAD compares: Non-Finnish European, 0.0017%; no homozygotes.

Submissions (2):

Labcorp Genetics (formerly Invitae), Labcorp
Classification: Uncertain significance for Autosomal recessive limb-girdle muscular dystrophy type 2Q; Epidermolysis bullosa simplex, Ogna type; Epidermolysis bullosa simplex with nail dystrophy; Epidermolysis bullosa simplex 5C, with pyloric atresia; Epidermolysis bullosa simplex 5B, with muscular dystrophy. Last evaluated: 2025-10-15. Review status: criteria provided, single submitter. Criteria: Invitae Variant Classification Sherloc (09022015). Collection method: clinical testing. Allele origin: germline.
Comment: This sequence change replaces valine, which is neutral and non-polar, with leucine, which is neutral and non-polar, at codon 1199 of the PLEC protein (p.Val1199Leu). The frequency data for this variant in the population databases is considered unreliable, as metrics indicate poor data quality at this position in the gnomAD database. This variant has not been reported in the literature in individuals affected with PLEC-related conditions. ClinVar contains an entry for this variant (Variation ID: 595445). Experimental studies and prediction algorithms are not available or were not evaluated, and the functional significance of this variant is currently unknown. In summary, the available evidence is currently insufficient to determine the role of this variant in disease. Therefore, it has been classified as a Variant of Uncertain Significance.

Eurofins Ntd Llc (ga)
Classification: Uncertain significance. Last evaluated: 2017-12-19. Review status: criteria provided, single submitter. Criteria: EGL Classification Definitions 2015. Collection method: clinical testing. Allele origin: germline. Observed: 1 variant allele, 1 heterozygote.

NM_201384.3(PLEC):c.3514G>T (p.Val1172Leu)

Gene: PLEC (plectin; minus strand). Cytogenetic location: 8q24.3.
Variant type: single nucleotide variant.
Coding change: c.3514G>T on transcript NM_201384.3 (MANE Select); coding-DNA position 3514, G replaced by T.
Protein change: p.Val1172Leu; replaces valine 1172 with leucine.
Molecular consequence: missense variant.
Genome position (GRCh38, 1-based): chr8:143,927,652, C>A on the plus strand (G>T on the coding strand, the complement: PLEC is on the minus strand). VCF-style: chr8-143927652-C-A. GRCh37 (hg19) VCF-style: chr8-145001820-C-A.
Other names: c.3595G>T, p.Val1199Leu (NM_000445.5); c.3472G>T, p.Val1158Leu (NM_201378.4); c.3448G>T, p.Val1150Leu (NM_201379.3); c.3925G>T, p.Val1309Leu (NM_201380.4); c.3418G>T, p.Val1140Leu (NM_201381.3); c.3514G>T, p.Val1172Leu (NM_201382.4); c.3526G>T, p.Val1176Leu (NM_201383.3); short protein forms V1140L, V1176L, V1199L, V1309L, V1172L, V1158L, V1150L.
Identifiers: ClinVar variation 595445 (VCV000595445.8), dbSNP rs3134599, ClinGen allele CA187618089.